The following is an entry in ClinVar:

ClinVar aggregate classification (germline): Uncertain significance (1 of 4 stars; one submission).

Conditions:
SEMA3F-related disorder. Also called: SEMA3F-related condition.

Submission:

PreventionGenetics, part of Exact Sciences
Classification: Uncertain significance for SEMA3F-related condition. Last evaluated: 2026-04-06. Review status: criteria provided, single submitter. Criteria: ACMG Guidelines, 2015. Collection method: clinical testing. Allele origin: germline.
Comment: The SEMA3F c.1062C>T variant is not predicted to result in an amino acid change (p.=). To our knowledge, this variant has not been reported in the literature or in a large population database (gnomAD), indicating this variant is rare. At this time, the clinical significance of this variant is uncertain due to the absence of conclusive functional and genetic evidence.

NM_004186.5(SEMA3F):c.1062C>T (p.Val354=)

Gene: SEMA3F (semaphorin 3F; plus strand). Cytogenetic location: 3p21.31.
Variant type: single nucleotide variant.
Coding change: c.1062C>T on transcript NM_004186.5 (MANE Select); coding-DNA position 1062, C replaced by T.
Protein change: p.Val354=; no amino-acid change (valine 354 retained).
Molecular consequence: synonymous variant.
Genome position (GRCh38, 1-based): chr3:50,183,229, C>T. VCF-style: chr3-50183229-C-T. GRCh37 (hg19) VCF-style: chr3-50220662-C-T.
Other names: c.765C>T, p.Val255= (NM_001318798.2); c.969C>T, p.Val323= (NM_001318800.2).
Identifiers: ClinVar variation 4996626 (VCV004996626.1).